The following is an entry in ClinVar:

ClinVar aggregate classification (germline): Uncertain significance (1 of 4 stars; one submission).

Conditions:
Hereditary cancer-predisposing syndrome. Also called: Neoplastic Syndromes, Hereditary; Tumor predisposition; Hereditary Cancer Syndrome; Hereditary neoplastic syndrome. Identifiers: Orphanet 140162, MedGen C0027672, MeSH D009386, MONDO:0015356.

Allele frequency attached by ClinVar (database versions not stated): gnomAD exomes below 0.00001.
gnomAD v4.1: 1 of 1,613,788 alleles (0.000062%); highest among the groups gnomAD compares: Non-Finnish European, 0.000085%; no homozygotes.

Submission:

Ambry Genetics
Classification: Uncertain significance for Hereditary cancer-predisposing syndrome. Last evaluated: 2020-10-02. Review status: criteria provided, single submitter. Criteria: Ambry Variant Classification Scheme 2023. Collection method: clinical testing. Allele origin: germline.
Comment: The p.M577I variant (also known as c.1731G>T), located in coding exon 10 of the ATM gene, results from a G to T substitution at nucleotide position 1731. The methionine at codon 577 is replaced by isoleucine, an amino acid with highly similar properties. This amino acid position is highly conserved in available vertebrate species. In addition, this alteration is predicted to be tolerated by in silico analysis. Since supporting evidence is limited at this time, the clinical significance of this alteration remains unclear.

NM_000051.4(ATM):c.1731G>T (p.Met577Ile)

Gene: ATM (ATM serine/threonine kinase; plus strand). Cytogenetic location: 11q22.3.
Variant type: single nucleotide variant.
Coding change: c.1731G>T on transcript NM_000051.4 (MANE Select); coding-DNA position 1731, G replaced by T.
Protein change: p.Met577Ile; replaces methionine 577 with isoleucine.
Molecular consequence: missense variant.
Genome position (GRCh38, 1-based): chr11:108,251,960, G>T. VCF-style: chr11-108251960-G-T. GRCh37 (hg19) VCF-style: chr11-108122687-G-T.
Other names: c.1731G>T, p.Met577Ile (NM_001351834.2); short protein forms M577I.
Identifiers: ClinVar variation 1779005 (VCV001779005.2), dbSNP rs2135342408, ClinGen allele CA382535304.
Genomic context (GRCh38, chr11:108,251,960, plus strand): 5'-GGGAATAGAGCAAAATATGTGTGAAGTAAATAGAAGCTTTTCTTTAAAGGAATCAATAAT[G>T]AAATGGCTCTTATTCTATCAGTTAGAGGGTGACTTAGAAAATAGCACAGAAGTGCCTCCA-3'
Protein context (NP_000042.3, residues 567-587): NRSFSLKESI[Met577Ile]KWLLFYQLEG